The following is an entry in ClinVar:

NM_002618.4(PEX13):c.1078C>G (p.Leu360Val)

Gene: PEX13 (peroxisomal biogenesis factor 13; plus strand). Cytogenetic location: 2p15.
Variant type: single nucleotide variant.
Coding change: c.1078C>G on transcript NM_002618.4 (MANE Select); coding-DNA position 1078, C replaced by G.
Protein change: p.Leu360Val; replaces leucine 360 with valine.
Molecular consequence: missense variant.
Genome position (GRCh38, 1-based): chr2:61,048,636, C>G. VCF-style: chr2-61048636-C-G. GRCh37 (hg19) VCF-style: chr2-61275771-C-G.
Other names: p.Leu360Val; short protein forms L360V.
Identifiers: ClinVar variation 336670 (VCV000336670.21), dbSNP rs74350038, ClinGen allele CA1673426.

ClinVar aggregate classification (germline): Benign/Likely benign. Review status: criteria provided, multiple submitters, no conflicts (2 of 4 stars). 5 submissions from 5 submitters: Benign (3); Likely benign (2). Last evaluated 2026-02-04.

Conditions:
Peroxisome biogenesis disorder 11A (Zellweger). Also called: Peroxisome biogenesis disorder 11A. Identifiers: Orphanet 912, MedGen C3554000, MONDO:0013949, OMIM 614883.

Allele frequency attached by ClinVar (database versions not stated): 1000 Genomes Project 0.01138; 1000 Genomes Project 30x 0.01156; TOPMed 0.02249; gnomAD exomes 0.02385 and 0.03496; gnomAD 0.02391 and 0.02423; ExAC 0.02407; ESP Exome Variant Server 0.02745.

Submissions (5):

Labcorp Genetics (formerly Invitae), Labcorp
Classification: Benign for Peroxisome biogenesis disorder 11A (Zellweger). Last evaluated: 2026-02-04. Review status: criteria provided, single submitter. Criteria: Invitae Variant Classification Sherloc (09022015). Collection method: clinical testing. Allele origin: germline.

GeneDx
Classification: Likely benign. Last evaluated: 2023-09-27. Review status: criteria provided, single submitter. Criteria: GeneDx Variant Classification Process June 2021. Collection method: clinical testing. Allele origin: germline. Affected: yes.
Comment: See Variant Classification Assertion Criteria.

Mayo Clinic Laboratories, Mayo Clinic
Classification: Benign. Last evaluated: 2023-04-07. Review status: criteria provided, single submitter. Criteria: ACMG Guidelines, 2015. Collection method: clinical testing. Allele origin: germline. Observed: 27 variant alleles.
Comment: BA1, BS2

Illumina Laboratory Services, Illumina
Classification: Benign for Peroxisome biogenesis disorder 11A (Zellweger). Last evaluated: 2018-01-13. Review status: criteria provided, single submitter. Criteria: ICSL Variant Classification Criteria 13 December 2019. Collection method: clinical testing. Allele origin: germline.
Comment: This variant was observed in the ICSL laboratory as part of a predisposition screen in an ostensibly healthy population. It had not been previously curated by ICSL or reported in the Human Gene Mutation Database (HGMD: prior to June 1st, 2018), and was therefore a candidate for classification through an automated scoring system. Utilizing variant allele frequency, disease prevalence and penetrance estimates, and inheritance mode, an automated score was calculated to assess if this variant is too frequent to cause the disease. Based on the score and internal cut-off values, a variant classified as benign is not then subjected to further curation. The score for this variant resulted in a classification of benign for this disease.

Breakthrough Genomics
Classification: Likely benign. Review status: criteria provided, single submitter. Criteria: ACMG Guidelines, 2015. Collection method: not provided. Allele origin: germline. Inheritance: Autosomal recessive inheritance. Affected: yes.